The following is an entry in ClinVar:

ClinVar aggregate classification (germline): Uncertain significance (1 of 4 stars; one submission).

Allele frequency attached by ClinVar (database versions not stated): gnomAD exomes below 0.00001; TOPMed below 0.00001; gnomAD 0.00001.
gnomAD v4.1: 7 of 1,613,794 alleles (0.00043%); highest among the groups gnomAD compares: African/African-American, 0.0067%; no homozygotes.

Submission:

Labcorp Genetics (formerly Invitae), Labcorp
Classification: Uncertain significance. Last evaluated: 2022-10-17. Review status: criteria provided, single submitter. Criteria: Invitae Variant Classification Sherloc (09022015). Collection method: clinical testing. Allele origin: germline.
Comment: This sequence change replaces asparagine, which is neutral and polar, with serine, which is neutral and polar, at codon 1534 of the CDH23 protein (p.Asn1534Ser). This variant is present in population databases (no rsID available, gnomAD 0.007%). This variant has not been reported in the literature in individuals affected with CDH23-related conditions. ClinVar contains an entry for this variant (Variation ID: 1035696). Advanced modeling of protein sequence and biophysical properties (such as structural, functional, and spatial information, amino acid conservation, physicochemical variation, residue mobility, and thermodynamic stability) performed at Invitae indicates that this missense variant is not expected to disrupt CDH23 protein function. In summary, the available evidence is currently insufficient to determine the role of this variant in disease. Therefore, it has been classified as a Variant of Uncertain Significance.

NM_022124.6(CDH23):c.4601A>G (p.Asn1534Ser)

Gene: CDH23 (cadherin related 23; plus strand). Cytogenetic location: 10q22.1.
Variant type: single nucleotide variant.
Coding change: c.4601A>G on transcript NM_022124.6 (MANE Select); coding-DNA position 4601, A replaced by G.
Protein change: p.Asn1534Ser; replaces asparagine 1534 with serine.
Molecular consequence: missense variant.
Genome position (GRCh38, 1-based): chr10:71,740,934, A>G. VCF-style: chr10-71740934-A-G. GRCh37 (hg19) VCF-style: chr10-73500691-A-G.
Other names: short protein forms N1534S.
Identifiers: ClinVar variation 1035696 (VCV001035696.6), dbSNP rs1293668670, ClinGen allele CA377160764.
Genomic context (GRCh38, chr10:71,740,934, plus strand): 5'-AGGTGACCATCCTGGACATCAATGACAACCCTCCAGTCATCGAGAGCCCCTTTGGATACA[A>G]TGTCAGTGTGAATGAGGTGAGGGCAGCCCCGGGGCCCATATAGCTGGACATACGGGGGGA-3'
Protein context (NP_071407.4, residues 1524-1544): PPVIESPFGY[Asn1534Ser]VSVNENVGGG